The following is an entry in ClinVar:

NM_000465.4(BARD1):c.2082C>T (p.Leu694=)

Gene: BARD1 (BRCA1 associated RING domain 1; minus strand). Cytogenetic location: 2q35.
Variant type: single nucleotide variant.
Coding change: c.2082C>T on transcript NM_000465.4 (MANE Select); coding-DNA position 2082, C replaced by T.
Protein change: p.Leu694=; no amino-acid change (leucine 694 retained).
Molecular consequence: synonymous variant. On other transcripts: non-coding transcript variant (3).
Genome position (GRCh38, 1-based): chr2:214,728,928, G>A on the plus strand (C>T on the coding strand, the complement: BARD1 is on the minus strand). VCF-style: chr2-214728928-G-A. GRCh37 (hg19) VCF-style: chr2-215593652-G-A.
Other names: c.2025C>T, p.Leu675= (NM_001282543.2); c.729C>T, p.Leu243= (NM_001282545.2); c.672C>T, p.Leu224= (NM_001282548.2); c.543C>T, p.Leu181= (NM_001282549.2).
Identifiers: ClinVar variation 186324 (VCV000186324.27), dbSNP rs139620052, ClinGen allele CA194479.

ClinVar aggregate classification (germline): Conflicting classifications of pathogenicity. Review status: criteria provided, conflicting classifications (1 of 4 stars). 9 submissions from 9 submitters: Uncertain significance (1); Benign (3); Likely benign (4). 1 of the submissions does not count toward it. Last evaluated 2025-12-23.

Conditions:
BARD1-related disorder. Also called: BARD1-related condition.
Hereditary cancer-predisposing syndrome. Also called: Tumor predisposition; Neoplastic Syndromes, Hereditary; Hereditary neoplastic syndrome; Hereditary Cancer Syndrome. Identifiers: Orphanet 140162, MedGen C0027672, MeSH D009386, MONDO:0015356.
Familial cancer of breast. Also called: BREAST CANCER, FAMILIAL; hereditary breast carcinoma; Hereditary breast cancer. Identifiers: Orphanet 227535, MedGen C0346153, MONDO:0016419, OMIM 114480. Disease mechanism: loss of function.

Allele frequency attached by ClinVar (database versions not stated): TOPMed 0.00003; gnomAD exomes 0.00007 and 0.00017; ESP Exome Variant Server 0.00008; ExAC 0.00016; gnomAD 0.00017 and 0.00018.
gnomAD v4.1: 122 of 1,614,052 alleles (0.0076%); highest among the groups gnomAD compares: African/African-American, 0.0053%; no homozygotes.

Submissions (9):

Labcorp Genetics (formerly Invitae), Labcorp
Classification: Benign for Familial cancer of breast. Last evaluated: 2025-12-23. Review status: criteria provided, single submitter. Criteria: Invitae Variant Classification Sherloc (09022015). Collection method: clinical testing. Allele origin: germline.

Myriad Genetics, Inc.
Classification: Benign for Familial cancer of breast. Last evaluated: 2024-07-29. Review status: criteria provided, single submitter. Criteria: Myriad Autosomal Dominant, Autosomal Recessive and X-Linked Classification Criteria (2023). Collection method: clinical testing. Allele origin: unknown.
Comment: This variant is considered benign. This variant is a silent/synonymous amino acid change and it is not expected to impact splicing.

Blueprint Genetics
Classification: Likely benign. Last evaluated: 2024-01-26. Review status: criteria provided, single submitter. Criteria: ACMG Guidelines, 2015. Collection method: clinical testing. Allele origin: germline.

Sema4
Classification: Likely benign for Hereditary cancer-predisposing syndrome. Last evaluated: 2021-11-18. Review status: criteria provided, single submitter. Criteria: Sema4 Curation Guidelines. Collection method: curation. Allele origin: germline.

Color Diagnostics, LLC DBA Color Health
Classification: Likely benign for Hereditary cancer-predisposing syndrome. Last evaluated: 2017-08-14. Review status: criteria provided, single submitter. Criteria: ACMG Guidelines, 2015. Collection method: clinical testing. Allele origin: germline.

Illumina Laboratory Services, Illumina
Classification: Uncertain significance for Familial cancer of breast. Last evaluated: 2017-04-27. Review status: criteria provided, single submitter. Criteria: ICSL Variant Classification Criteria 13 December 2019. Collection method: clinical testing. Allele origin: germline.

GeneDx
Classification: Benign. Last evaluated: 2015-04-10. Review status: criteria provided, single submitter. Criteria: GeneDx Variant Classification (06012015). Collection method: clinical testing. Allele origin: germline. Affected: yes.
Comment: This variant is considered likely benign or benign based on one or more of the following criteria: it is a conservative change, it occurs at a poorly conserved position in the protein, it is predicted to be benign by multiple in silico algorithms, and/or has population frequency not consistent with disease.

Ambry Genetics
Classification: Likely benign for Hereditary cancer-predisposing syndrome. Last evaluated: 2014-09-26. Review status: criteria provided, single submitter. Criteria: Ambry Variant Classification Scheme 2023. Collection method: clinical testing. Allele origin: germline.

PreventionGenetics, part of Exact Sciences
Classification: Likely benign for BARD1-related condition. Last evaluated: 2022-02-08. Review status: no assertion criteria provided. Collection method: clinical testing. Allele origin: germline. Not counted in ClinVar's aggregate classification.
Comment: This variant is classified as likely benign based on ACMG/AMP sequence variant interpretation guidelines (Richards et al. 2015 PMID: 25741868, with internal and published modifications).